The following is an entry in ClinVar:

ClinVar aggregate classification (germline): Likely benign. Review status: criteria provided, multiple submitters, no conflicts (2 of 4 stars). 3 submissions from 3 submitters: Likely benign (2). 1 of the submissions does not count toward it. Last evaluated 2025-12-01.

Conditions:
TANC2-related disorder. Also called: TANC2-related condition.

Allele frequency attached by ClinVar (database versions not stated): 1000 Genomes Project 0.00040; 1000 Genomes Project 30x 0.00047; ExAC 0.00064; TOPMed 0.00070; gnomAD 0.00076; ESP Exome Variant Server 0.00088; gnomAD exomes 0.00095.
gnomAD v4.1: 1,505 of 1,614,006 alleles (0.093%); highest among the groups gnomAD compares: Non-Finnish European, 0.12%; 1 homozygote.

Submissions (3):

CeGaT Center for Human Genetics Tuebingen
Classification: Likely benign. Last evaluated: 2025-12-01. Review status: criteria provided, single submitter. Criteria: CeGaT Center For Human Genetics Tuebingen Variant Classification Criteria Version 2. Collection method: clinical testing. Allele origin: germline. Affected: yes. Observed: 5 variant alleles.
Comment: TANC2: BP4, BS1

Blueprint Genetics
Classification: Likely benign. Last evaluated: 2024-11-25. Review status: criteria provided, single submitter. Criteria: ACMG Guidelines, 2015. Collection method: clinical testing. Allele origin: germline.

PreventionGenetics, part of Exact Sciences
Classification: Likely benign for TANC2-related condition. Last evaluated: 2019-10-03. Review status: no assertion criteria provided. Collection method: clinical testing. Allele origin: germline. Not counted in ClinVar's aggregate classification.
Comment: This variant is classified as likely benign based on ACMG/AMP sequence variant interpretation guidelines (Richards et al. 2015 PMID: 25741868, with internal and published modifications).

NM_001394998.1(TANC2):c.1380C>G (p.Leu460=)

Gene: TANC2 (tetratricopeptide repeat, ankyrin repeat and coiled-coil containing 2; plus strand). Cytogenetic location: 17q23.3.
Variant type: single nucleotide variant.
Coding change: c.1380C>G on transcript NM_001394998.1 (MANE Select); coding-DNA position 1380, C replaced by G.
Protein change: p.Leu460=; no amino-acid change (leucine 460 retained).
Molecular consequence: synonymous variant.
Genome position (GRCh38, 1-based): chr17:63,314,608, C>G. VCF-style: chr17-63314608-C-G. GRCh37 (hg19) VCF-style: chr17-61391969-C-G.
Other names: c.1158C>G, p.Leu386= (NM_001411076.1, NM_025185.4); c.1158C>G (NM_025185.3).
Identifiers: ClinVar variation 2648045 (VCV002648045.26), dbSNP rs200973824, ClinGen allele CA8697560.
Genomic context (GRCh38, chr17:63,314,608, plus strand): 5'-AGTGATTGTGGGAAACATTGGATTCGGCAAAACTGCCATCATCTCCAGACTGGTGGCCCT[C>G]AGCTGCCATGGTACAAGGATGAGACAGATCGCCTCAGACAGCCCACATGCCTCCCCCAAA-3'
Protein context (NP_001381927.1, residues 450-470): KTAIISRLVA[Leu460=]SCHGTRMRQI